The following is an entry in ClinVar:

ClinVar aggregate classification (germline): Pathogenic (1 of 4 stars; one submission).

Submission:

GeneDx
Classification: Pathogenic. Last evaluated: 2013-02-18. Review status: criteria provided, single submitter. Criteria: GeneDx Variant Classification (06012015). Collection method: clinical testing. Allele origin: germline. Affected: yes.
Comment: Although the c.1679dupG variant in the FBN1 gene has not been reported to our knowledge, this variant causes a shift in reading frame starting at codon Phenylalanine 561, changing it to a Leucine, and creating a premature stop codon at position 11 of the new reading frame, denoted p.Phe561LeufsX11. This variant is expected to result in either an abnormal, truncated protein product or loss of protein from this allele through nonsense-mediated mRNA decay. Other frameshift variants in the FBN1 gene have been reported in association with Marfan syndrome. In summary, c.1679dupG in the FBN1 gene is interpreted as a pathogenic variant.

NM_000138.5(FBN1):c.1679dup (p.Phe561fs)

Gene: FBN1 (fibrillin 1; minus strand). Cytogenetic location: 15q21.1.
Variant type: Duplication.
Coding change: c.1679dup on transcript NM_000138.5 (MANE Select); coding-DNA position 1679, one base duplicated (G; older notation c.1679dupG).
Protein change: p.Phe561fs; shifts the reading frame from phenylalanine 561.
Molecular consequence: frameshift variant.
Genome position (GRCh38, 1-based): chr15:48,510,079, C duplicated on the plus strand (G on the coding strand, the reverse complement: FBN1 is on the minus strand); the first of 3 consecutive C bases (chr15:48,510,079-48,510,081); duplicating any one gives the same sequence. VCF-style (leftmost placement, unchanged base first): chr15-48510078-G-GC. GRCh37 (hg19) VCF-style: chr15-48802275-G-GC.
Other names: c.1679dupG (NM_000138.4); short protein forms F561fs.
Identifiers: ClinVar variation 200149 (VCV000200149.2), dbSNP rs794728297, ClinGen allele CA304341.
Genomic context (GRCh38, chr15:48,510,078, plus strand): 5'-GACTAACATTAGTATACTATTATTACCTTCACAGTTCTTCCCATCTCGTGTAACATGAAA[G>GC]CCCGCATTACACACGCAATGAAAACTGCCATCTGTGTTGATGCAGCGTCCATTATTGCAG-3'